The following is an entry in ClinVar:

ClinVar aggregate classification (germline): Uncertain significance (1 of 4 stars; one submission).

Conditions:
WAS-related disorder. Also called: WAS-Related Disorders; WAS-related condition. Identifiers: MedGen CN381538.

Submission:

PreventionGenetics, part of Exact Sciences
Classification: Uncertain significance for WAS-related condition. Last evaluated: 2026-08-25. Review status: criteria provided, single submitter. Criteria: ACMG Guidelines, 2015. Collection method: clinical testing. Allele origin: germline.
Comment: The WAS c.811T>C variant is predicted to result in the amino acid substitution p.Phe271Leu. To our knowledge, this variant has not been reported in the literature or in a large population database (gnomAD), indicating this variant is rare. At this time, the clinical significance of this variant is uncertain due to the absence of conclusive functional and genetic evidence.

NM_000377.3(WAS):c.811T>C (p.Phe271Leu)

Gene: WAS (WASP actin nucleation promoting factor; plus strand). Cytogenetic location: Xp11.23.
Variant type: single nucleotide variant.
Coding change: c.811T>C on transcript NM_000377.3 (MANE Select); coding-DNA position 811, T replaced by C.
Protein change: p.Phe271Leu; replaces phenylalanine 271 with leucine.
Molecular consequence: missense variant.
Genome position (GRCh38, 1-based): chrX:48,688,333, T>C. VCF-style: chrX-48688333-T-C. GRCh37 (hg19) VCF-style: chrX-48546722-T-C.
Other names: c.811T>C, p.Phe271Leu (NM_001438876.1, NM_001438877.1, NM_001438878.1 and 1 more transcripts); short protein forms F271L.
Identifiers: ClinVar variation 4996971 (VCV004996971.1).